The following is an entry in ClinVar:

NM_000548.5(TSC2):c.368T>C (p.Phe123Ser)

Gene: TSC2 (TSC complex subunit 2; plus strand). Cytogenetic location: 16p13.3.
Variant type: single nucleotide variant.
Coding change: c.368T>C on transcript NM_000548.5 (MANE Select); coding-DNA position 368, T replaced by C.
Protein change: p.Phe123Ser; replaces phenylalanine 123 with serine.
Molecular consequence: missense variant. On other transcripts: intron variant (1).
Genome position (GRCh38, 1-based): chr16:2,054,327, T>C. VCF-style: chr16-2054327-T-C. GRCh37 (hg19) VCF-style: chr16-2104328-T-C.
Other names: c.368T>C, p.Phe123Ser (NM_001077183.3, NM_001114382.3, NM_001406673.1 and 8 more transcripts); c.257T>C, p.Phe86Ser (NM_001318827.2, NM_001406678.1, NM_001406670.1); c.221T>C, p.Phe74Ser (NM_001318829.2, NM_001406675.1, NM_001406676.1 and 1 more transcripts); c.401T>C, p.Phe134Ser (NM_001318832.2); c.311T>C, p.Phe104Ser (NM_001406677.1); c.-449T>C (NM_001406680.1, NM_001406683.1, NM_001406687.1); c.-78T>C (NM_001406681.1); c.-1064T>C (NM_001406689.1, NM_001406690.1, NM_001406691.1 and 2 more transcripts); and 6 more; short protein forms F123S, F153S, F134S, F74S, F86S, F104S.
Identifiers: ClinVar variation 1733956 (VCV001733956.2), dbSNP rs2548413976, ClinGen allele CA394306677.

ClinVar aggregate classification (germline): Uncertain significance (1 of 4 stars; one submission).

Conditions:
Hereditary cancer-predisposing syndrome. Also called: Neoplastic Syndromes, Hereditary; Tumor predisposition; Hereditary Cancer Syndrome; Hereditary neoplastic syndrome. Identifiers: Orphanet 140162, MedGen C0027672, MeSH D009386, MONDO:0015356.

Submission:

Ambry Genetics
Classification: Uncertain significance for Hereditary cancer-predisposing syndrome. Last evaluated: 2022-03-08. Review status: criteria provided, single submitter. Criteria: Ambry Variant Classification Scheme 2023. Collection method: clinical testing. Allele origin: germline.
Comment: The p.F123S variant (also known as c.368T>C), located in coding exon 4 of the TSC2 gene, results from a T to C substitution at nucleotide position 368. The phenylalanine at codon 123 is replaced by serine, an amino acid with highly dissimilar properties. This amino acid position is conserved. In addition, this alteration is predicted to be deleterious by in silico analysis. Since supporting evidence is limited at this time, the clinical significance of this alteration remains unclear.